The following is an entry in ClinVar:

NM_000321.3(RB1):c.1714C>A (p.Leu572Ile)

Gene: RB1 (RB transcriptional corepressor 1; plus strand). Cytogenetic location: 13q14.2.
Variant type: single nucleotide variant.
Coding change: c.1714C>A on transcript NM_000321.3 (MANE Select); coding-DNA position 1714, C replaced by A.
Protein change: p.Leu572Ile; replaces leucine 572 with isoleucine.
Molecular consequence: missense variant.
Genome position (GRCh38, 1-based): chr13:48,453,011, C>A. VCF-style: chr13-48453011-C-A. GRCh37 (hg19) VCF-style: chr13-49027147-C-A.
Other names: c.1714C>A, p.Leu572Ile (NM_001407165.1); short protein forms L572I.
Identifiers: ClinVar variation 4745242 (VCV004745242.1).
Genomic context (GRCh38, chr13:48,453,011, plus strand): 5'-ATGCTTACTAATGTGGTTTTAATTTCATCATGTTTCATATAGGATTCACCTTTATTTGAT[C>A]TTATTAAACAATCAAAGGACCGAGAAGGACCAACTGATCACCTTGAATCTGCTTGTCCTC-3'
Protein context (NP_000312.2, residues 562-582): AWLSDSPLFD[Leu572Ile]IKQSKDREGP

ClinVar aggregate classification (germline): Uncertain significance (1 of 4 stars; one submission).

Conditions:
Retinoblastoma (RB1). Also called: RETINOBLASTOMA, SOMATIC. Identifiers: Orphanet 790, MedGen C0035335, MeSH D012175, MONDO:0008380, OMIM 180200, HP:0009919. Disease mechanism: loss of function. Inheritance: Both sporadic and heritable forms are tested..

gnomAD v4.1: 1 of 1,612,762 alleles (0.000062%); no homozygotes.

Submission:

Labcorp Genetics (formerly Invitae), Labcorp
Classification: Uncertain significance for Retinoblastoma. Last evaluated: 2025-11-27. Review status: criteria provided, single submitter. Criteria: Invitae Variant Classification Sherloc (09022015). Collection method: clinical testing. Allele origin: germline.
Comment: This sequence change replaces leucine, which is neutral and non-polar, with isoleucine, which is neutral and non-polar, at codon 572 of the RB1 protein (p.Leu572Ile). This variant is not present in population databases (gnomAD no frequency). This variant has not been reported in the literature in individuals affected with RB1-related conditions. Invitae Evidence Modeling of protein sequence and biophysical properties (such as structural, functional, and spatial information, amino acid conservation, physicochemical variation, residue mobility, and thermodynamic stability) indicates that this missense variant is not expected to disrupt RB1 protein function with a negative predictive value of 80%. Experimental studies have shown that this missense change affects RB1 function (PMID: 39938803). In summary, the available evidence is currently insufficient to determine the role of this variant in disease. Therefore, it has been classified as a Variant of Uncertain Significance.

Literature cited by the submitters: PubMed 39938803.